The following is an entry in ClinVar:

NM_024577.4(SH3TC2):c.2833A>G (p.Met945Val)

Gene: SH3TC2 (SH3 domain and tetratricopeptide repeats 2; minus strand). Cytogenetic location: 5q32.
Variant type: single nucleotide variant.
Coding change: c.2833A>G on transcript NM_024577.4 (MANE Select); coding-DNA position 2833, A replaced by G.
Protein change: p.Met945Val; replaces methionine 945 with valine.
Molecular consequence: missense variant.
Genome position (GRCh38, 1-based): chr5:149,026,899, T>C on the plus strand (A>G on the coding strand, the complement: SH3TC2 is on the minus strand). VCF-style: chr5-149026899-T-C. GRCh37 (hg19) VCF-style: chr5-148406462-T-C.
Other names: short protein forms M945V.
Identifiers: ClinVar variation 2981608 (VCV002981608.3), dbSNP rs2531771104, ClinGen allele CA361665529.
Genomic context (GRCh38, chr5:149,026,899, plus strand): 5'-AGCAGCATGGGACATACTTACTCTTTAGATGTCGATGCCTTAAGCCAAACAGCAATGCCA[T>C]TTCATAACAAAGAAGGCCATGGGTCAGCTGGTGTCCAGACACCAGAACTTGGGCCAACCA-3'
Protein context (NP_078853.2, residues 935-955): QLTHGLLCYE[Met945Val]ALLFGLRHRH

ClinVar aggregate classification (germline): Uncertain significance (1 of 4 stars; one submission).

Conditions:
Charcot-Marie-Tooth disease type 4. Also called: Charcot-Marie-Tooth, Type 4; Charcot-Marie-Tooth disease, type IV. Identifiers: Orphanet 64749, MedGen C4082197, MONDO:0018995.

Submission:

Labcorp Genetics (formerly Invitae), Labcorp
Classification: Uncertain significance for Charcot-Marie-Tooth disease type 4. Last evaluated: 2024-01-06. Review status: criteria provided, single submitter. Criteria: Invitae Variant Classification Sherloc (09022015). Collection method: clinical testing. Allele origin: germline.
Comment: This sequence change replaces methionine, which is neutral and non-polar, with valine, which is neutral and non-polar, at codon 945 of the SH3TC2 protein (p.Met945Val). This variant is not present in population databases (gnomAD no frequency). This variant has not been reported in the literature in individuals affected with SH3TC2-related conditions. Advanced modeling of protein sequence and biophysical properties (such as structural, functional, and spatial information, amino acid conservation, physicochemical variation, residue mobility, and thermodynamic stability) performed at Invitae indicates that this missense variant is not expected to disrupt SH3TC2 protein function with a negative predictive value of 95%. In summary, the available evidence is currently insufficient to determine the role of this variant in disease. Therefore, it has been classified as a Variant of Uncertain Significance.